The following is an entry in ClinVar:

NC_000021.8:g.(?_34540717)_(35013574_?)del

Genes: CRYZL1 (crystallin zeta like 1; minus strand), DNAJC28 (DnaJ heat shock protein family (Hsp40) member C28; minus strand), DONSON (DNA replication fork stabilization factor DONSON; minus strand), GART (phosphoribosylglycinamide formyltransferase, phosphoribosylglycinamide synthetase, phosphoribosylaminoimidazole synthetase; minus strand), IFNAR1 (interferon alpha and beta receptor subunit 1; plus strand) and 5 more. Cytogenetic location: 21q22.11.
Variant type: Deletion.
Identifiers: ClinVar variation 1072704 (VCV001072704.7).

ClinVar aggregate classification (germline): Pathogenic (1 of 4 stars; one submission).

Submission:

Labcorp Genetics (formerly Invitae), Labcorp
Classification: Pathogenic. Last evaluated: 2021-08-20. Review status: criteria provided, single submitter. Criteria: Invitae Variant Classification Sherloc (09022015). Collection method: clinical testing. Allele origin: germline.
Comment: A gross deletion of the genomic region encompassing the full coding sequence of the SON gene has been identified. Loss-of-function variants in SON are known to be pathogenic (PMID: 27545676, 27545680). The boundaries of this event are unknown as they extend beyond the assayed region for this gene and therefore may encompass additional genes. Isolated whole-gene deletions of SON have not been reported in the literature. However, larger copy number events that include this gene have been reported (PMID: 27545680). For these reasons, this variant has been classified as Pathogenic.

Literature cited by the submitters: PubMed 27545676; PubMed 27545680.